The following is an entry in ClinVar:

ClinVar aggregate classification (germline): Uncertain significance (1 of 4 stars; one submission).

Submission:

Labcorp Genetics (formerly Invitae), Labcorp
Classification: Uncertain significance. Last evaluated: 2022-01-15. Review status: criteria provided, single submitter. Criteria: Invitae Variant Classification Sherloc (09022015). Collection method: clinical testing. Allele origin: germline.
Comment: This sequence change replaces isoleucine, which is neutral and non-polar, with lysine, which is basic and polar, at codon 50 of the CPLANE1 protein (p.Ile50Lys). This variant is not present in population databases (gnomAD no frequency). This variant has not been reported in the literature in individuals affected with CPLANE1-related conditions. ClinVar contains an entry for this variant (Variation ID: 1035418). Advanced modeling of protein sequence and biophysical properties (such as structural, functional, and spatial information, amino acid conservation, physicochemical variation, residue mobility, and thermodynamic stability) performed at Invitae indicates that this missense variant is not expected to disrupt CPLANE1 protein function. In summary, the available evidence is currently insufficient to determine the role of this variant in disease. Therefore, it has been classified as a Variant of Uncertain Significance.

NM_001384732.1(CPLANE1):c.149T>A (p.Ile50Lys)

Gene: CPLANE1 (ciliogenesis and planar polarity effector complex subunit 1; minus strand). Cytogenetic location: 5p13.2.
Variant type: single nucleotide variant.
Coding change: c.149T>A on transcript NM_001384732.1 (MANE Select); coding-DNA position 149, T replaced by A.
Protein change: p.Ile50Lys; replaces isoleucine 50 with lysine.
Molecular consequence: missense variant.
Genome position (GRCh38, 1-based): chr5:37,245,778, A>T on the plus strand (T>A on the coding strand, the complement: CPLANE1 is on the minus strand). VCF-style: chr5-37245778-A-T. GRCh37 (hg19) VCF-style: chr5-37245880-A-T.
Other names: c.149T>A, p.Ile50Lys (NM_023073.4); short protein forms I50K.
Identifiers: ClinVar variation 1035418 (VCV001035418.8), dbSNP rs1739433030, ClinGen allele CA359524520.